The following is an entry in ClinVar:

NM_001252102.2(KIF21B):c.1444A>T (p.Ile482Phe)

Gene: KIF21B (kinesin family member 21B; minus strand). Cytogenetic location: 1q32.1.
Variant type: single nucleotide variant.
Coding change: c.1444A>T on transcript NM_001252102.2 (MANE Select); coding-DNA position 1444, A replaced by T.
Protein change: p.Ile482Phe; replaces isoleucine 482 with phenylalanine.
Molecular consequence: missense variant.
Genome position (GRCh38, 1-based): chr1:201,000,739, T>A on the plus strand (A>T on the coding strand, the complement: KIF21B is on the minus strand). VCF-style: chr1-201000739-T-A. GRCh37 (hg19) VCF-style: chr1-200969867-T-A.
Other names: c.1444A>T, p.Ile482Phe (NM_001252100.2, NM_001252103.2, NM_017596.4); short protein forms I482F.
Identifiers: ClinVar variation 2576654 (VCV002576654.1), dbSNP rs2465208525, ClinGen allele CA344104391.
Genomic context (GRCh38, chr1:201,000,739, plus strand): 5'-CCCAGCCCGCGCACACCTGCCGGAGCTCACTCACTCACCGTAGCTCCTCGATCTCCCGGA[T>A]GTAGTTCTGGATCAGCGCACCAATGGCCTCATTGCCATCGCCTGGAGTGGGACGGCGGGA-3'
Protein context (NP_001239031.1, residues 472-492): EAIGALIQNY[Ile482Phe]REIEELRTKL

ClinVar aggregate classification (germline): Uncertain significance (1 of 4 stars; one submission).

Submission:

GeneDx
Classification: Uncertain significance. Last evaluated: 2023-02-13. Review status: criteria provided, single submitter. Criteria: GeneDx Variant Classification Process June 2021. Collection method: clinical testing. Allele origin: germline. Affected: yes.
Comment: Has not been previously published as pathogenic or benign to our knowledge; Not observed at significant frequency in large population cohorts (gnomAD); In silico analysis supports that this missense variant has a deleterious effect on protein structure/function